The following is an entry in ClinVar:

ClinVar aggregate classification (germline): Uncertain significance (1 of 4 stars; one submission).

Allele frequency attached by ClinVar (database versions not stated): gnomAD exomes below 0.00001.
gnomAD v4.1: 1 of 1,613,568 alleles (0.000062%); highest among the groups gnomAD compares: Non-Finnish European, 0.000085%; no homozygotes.

Submission:

GeneDx
Classification: Uncertain significance. Last evaluated: 2022-01-18. Review status: criteria provided, single submitter. Criteria: GeneDx Variant Classification Process June 2021. Collection method: clinical testing. Allele origin: germline. Affected: yes.
Comment: Not observed at significant frequency in large population cohorts (gnomAD); In silico analysis supports that this missense variant does not alter protein structure/function; Has not been previously published as pathogenic or benign to our knowledge

NM_001395413.1(POR):c.331T>C (p.Ser111Pro)

Gene: POR (cytochrome p450 oxidoreductase; plus strand). Cytogenetic location: 7q11.23.
Variant type: single nucleotide variant.
Coding change: c.331T>C on transcript NM_001395413.1 (MANE Select); coding-DNA position 331, T replaced by C.
Protein change: p.Ser111Pro; replaces serine 111 with proline.
Molecular consequence: missense variant.
Genome position (GRCh38, 1-based): chr7:75,979,553, T>C. VCF-style: chr7-75979553-T-C. GRCh37 (hg19) VCF-style: chr7-75608871-T-C.
Other names: c.340T>C (NM_000941.2); c.331T>C, p.Ser111Pro (NM_001367562.3, NM_001382657.2, NM_001382658.3 and 2 more transcripts); c.385T>C, p.Ser129Pro (NM_001382655.3); short protein forms S111P, S129P.
Identifiers: ClinVar variation 1697203 (VCV001697203.2), dbSNP rs2116581261, ClinGen allele CA367747522.